The following is an entry in ClinVar:

NM_020822.3(KCNT1):c.3521A>G (p.Gln1174Arg)

Gene: KCNT1 (potassium sodium-activated channel subfamily T member 1; plus strand). Cytogenetic location: 9q34.3.
Variant type: single nucleotide variant.
Coding change: c.3521A>G on transcript NM_020822.3 (MANE Select); coding-DNA position 3521, A replaced by G.
Protein change: p.Gln1174Arg; replaces glutamine 1174 with arginine.
Molecular consequence: missense variant.
Genome position (GRCh38, 1-based): chr9:135,791,815, A>G. VCF-style: chr9-135791815-A-G. GRCh37 (hg19) VCF-style: chr9-138683661-A-G.
Other names: c.3449A>G, p.Gln1150Arg (NM_001272003.2); short protein forms Q1174R, Q1150R.
Identifiers: ClinVar variation 833735 (VCV000833735.16), dbSNP rs761270493, ClinGen allele CA5327935.

ClinVar aggregate classification (germline): Likely benign. Review status: criteria provided, multiple submitters, no conflicts (2 of 4 stars). 3 submissions from 3 submitters: Likely benign (3). Last evaluated 2026-04-01.

Conditions:
Developmental and epileptic encephalopathy, 14 (DEE14). Also called: Early infantile epileptic encephalopathy 14. Identifiers: Orphanet 293181, MedGen C3554195, MONDO:0013989, OMIM 614959.
Autosomal dominant nocturnal frontal lobe epilepsy 5. Also called: Epilepsy, nocturnal frontal lobe, 5; CILIARY DYSKINESIA, PRIMARY, 28, WITHOUT SITUS INVERSUS; CILIARY DYSKINESIA, PRIMARY, 28, WITH SITUS INVERSUS; KCNT1-Related Epilepsy. Identifiers: Orphanet 98784, MedGen C3554306, MONDO:0014002, OMIM 615005.

Allele frequency attached by ClinVar (database versions not stated): TOPMed 0.00001; ExAC 0.00002; gnomAD 0.00002.
gnomAD v4.1: 35 of 1,613,740 alleles (0.0022%); highest among the groups gnomAD compares: Non-Finnish European, 0.003%; no homozygotes.

Submissions (3):

CeGaT Center for Human Genetics Tuebingen
Classification: Likely benign. Last evaluated: 2026-04-01. Review status: criteria provided, single submitter. Criteria: CeGaT Center For Human Genetics Tuebingen Variant Classification Criteria Version 2. Collection method: clinical testing. Allele origin: germline. Affected: yes. Observed: 1 variant allele.
Comment: KCNT1: BS2

Labcorp Genetics (formerly Invitae), Labcorp
Classification: Likely benign for Autosomal dominant nocturnal frontal lobe epilepsy 5; Developmental and epileptic encephalopathy, 14. Last evaluated: 2025-11-17. Review status: criteria provided, single submitter. Criteria: Invitae Variant Classification Sherloc (09022015). Collection method: clinical testing. Allele origin: germline.

Laboratory of Genetics, Children's Clinical University Hospital Latvia
Classification: Likely benign. Last evaluated: 2025-02-16. Review status: criteria provided, single submitter. Criteria: ACMG Guidelines, 2015. Collection method: clinical testing. Allele origin: germline. Affected: yes.